The following is an entry in ClinVar:

NM_032043.3(BRIP1):c.239C>G (p.Ala80Gly)

Gene: BRIP1 (BRCA1 interacting DNA helicase 1; minus strand). Cytogenetic location: 17q23.2.
Variant type: single nucleotide variant.
Coding change: c.239C>G on transcript NM_032043.3 (MANE Select); coding-DNA position 239, C replaced by G.
Protein change: p.Ala80Gly; replaces alanine 80 with glycine.
Molecular consequence: missense variant.
Genome position (GRCh38, 1-based): chr17:61,857,198, G>C on the plus strand (C>G on the coding strand, the complement: BRIP1 is on the minus strand). VCF-style: chr17-61857198-G-C. GRCh37 (hg19) VCF-style: chr17-59934559-G-C.
Other names: short protein forms A80G.
Identifiers: ClinVar variation 3759036 (VCV003759036.2).

ClinVar aggregate classification (germline): Uncertain significance (1 of 4 stars; one submission).

Conditions:
Fanconi anemia complementation group J. Also called: BRIP1-Related Fanconi Anemia. Identifiers: Orphanet 84, MedGen C1836860, MONDO:0012187, OMIM 609054.
Familial cancer of breast. Also called: BREAST CANCER, FAMILIAL; Hereditary breast cancer; hereditary breast carcinoma. Identifiers: Orphanet 227535, MedGen C0346153, MONDO:0016419, OMIM 114480. Disease mechanism: loss of function.

Submission:

Labcorp Genetics (formerly Invitae), Labcorp
Classification: Uncertain significance for Familial cancer of breast; Fanconi anemia complementation group J. Last evaluated: 2024-09-29. Review status: criteria provided, single submitter. Criteria: Invitae Variant Classification Sherloc (09022015). Collection method: clinical testing. Allele origin: germline.
Comment: This sequence change replaces alanine, which is neutral and non-polar, with glycine, which is neutral and non-polar, at codon 80 of the BRIP1 protein (p.Ala80Gly). This variant is not present in population databases (gnomAD no frequency). This variant has not been reported in the literature in individuals affected with BRIP1-related conditions. Invitae Evidence Modeling of protein sequence and biophysical properties (such as structural, functional, and spatial information, amino acid conservation, physicochemical variation, residue mobility, and thermodynamic stability) indicates that this missense variant is not expected to disrupt BRIP1 protein function with a negative predictive value of 80%. In summary, the available evidence is currently insufficient to determine the role of this variant in disease. Therefore, it has been classified as a Variant of Uncertain Significance.